The following is an entry in ClinVar:

ClinVar aggregate classification (germline): Conflicting classifications of pathogenicity. Review status: criteria provided, conflicting classifications (1 of 4 stars). 9 submissions from 9 submitters: Uncertain significance (2); Benign (3); Likely benign (3). 1 of the submissions does not count toward it. Last evaluated 2026-01-05.

Conditions:
TTN-related disorder. Also called: TTN-related disorders; TTN-related condition; TTN-related disease.
Cardiovascular phenotype. Identifiers: MedGen CN230736.
Dilated cardiomyopathy 1G (CMD1G). Identifiers: Orphanet 154, MedGen C1858763, MONDO:0011400, OMIM 604145.
Autosomal recessive limb-girdle muscular dystrophy type 2J (LGMDR10). Also called: Limb-girdle muscular dystrophy, type 2J; MUSCULAR DYSTROPHY, LIMB-GIRDLE, AUTOSOMAL RECESSIVE 10. Identifiers: Orphanet 140922, MedGen C1837342, MONDO:0012127, OMIM 608807.
Cardiomyopathy (CMYO). Also called: Cardiomyopathies. Identifiers: Orphanet 167848, MedGen C0878544, MONDO:0004994, HP:0001638. Inheritance: Various modes of inheritance.
Tip-toe gait. Also called: Toe walking. Identifiers: MedGen C0427144, HP:0030051.

Allele frequency attached by ClinVar (database versions not stated): gnomAD 0.00005 and 0.00006; TOPMed 0.00006; ESP Exome Variant Server 0.00009; ExAC 0.00016.
gnomAD v4.1: 113 of 1,609,952 alleles (0.007%); highest among the groups gnomAD compares: Non-Finnish European, 0.002%; no homozygotes.

Submissions (9):

Labcorp Genetics (formerly Invitae), Labcorp
Classification: Likely benign for Dilated cardiomyopathy 1G; Autosomal recessive limb-girdle muscular dystrophy type 2J. Last evaluated: 2026-01-05. Review status: criteria provided, single submitter. Criteria: Invitae Variant Classification Sherloc (09022015). Collection method: clinical testing. Allele origin: germline.

Revvity Omics, Revvity
Classification: Uncertain significance. Last evaluated: 2025-07-11. Review status: criteria provided, single submitter. Criteria: ACMG Guidelines, 2015. Collection method: clinical testing. Allele origin: germline.

PreventionGenetics, part of Exact Sciences
Classification: Likely benign for TTN-related condition. Last evaluated: 2025-04-29. Review status: criteria provided, single submitter. Criteria: ACMG Guidelines, 2015. Collection method: clinical testing. Allele origin: germline.
Comment: This variant is classified as likely benign based on ACMG/AMP sequence variant interpretation guidelines (Richards et al. 2015 PMID: 25741868, with internal and published modifications).

Athena Diagnostics
Classification: Benign. Last evaluated: 2021-02-09. Review status: criteria provided, single submitter. Criteria: Athena Diagnostics criteria. Collection method: clinical testing. Allele origin: unknown.

Ambry Genetics
Classification: Benign for Cardiovascular phenotype. Last evaluated: 2020-08-14. Review status: criteria provided, single submitter. Criteria: Ambry Variant Classification Scheme 2023. Collection method: clinical testing. Allele origin: germline.

GeneDx
Classification: Likely benign. Last evaluated: 2020-01-09. Review status: criteria provided, single submitter. Criteria: GeneDx Variant Classification Process June 2021. Collection method: clinical testing. Allele origin: germline. Affected: yes.
Comment: This variant is associated with the following publications: (PMID: 23861362)

CHEO Genetics Diagnostic Laboratory, Children's Hospital of Eastern Ontario
Classification: Benign for Cardiomyopathy. Last evaluated: 2018-01-02. Review status: criteria provided, single submitter. Criteria: ACMG Guidelines, 2015. Collection method: clinical testing. Allele origin: germline.

Laboratory for Molecular Medicine, Mass General Brigham Personalized Medicine
Classification: Uncertain significance. Last evaluated: 2015-04-23. Review status: criteria provided, single submitter. Criteria: LMM Criteria. Collection method: clinical testing. Allele origin: germline. Observed: 2 variant alleles.
Comment: The p.Tyr32922His variant in TTN has not been previously reported in individuals with cardiomyopathy, but has been identified in 19/66630 of European chromosome s by the Exome Aggregation Consortium (ExAC; dbS NP rs199663911). Computational prediction tools and conservation analysis do no t provide strong support for or against an impact to the protein. In summary, th e clinical significance of the p.Tyr32922His variant is uncertain.

Practice for Gait Abnormalities, David Pomarino, Competency Network Toe Walking C/o Practice Pomarino
Classification: Likely pathogenic for Tip-toe gait. Review status: no assertion criteria provided. Collection method: clinical testing. Allele origin: germline. Affected: yes. Not counted in ClinVar's aggregate classification.
Comment: Myopathy refers to diseases that affect skeletal Muscles. These diseases attack muscle fibers, making muscles weak. Inherited myopathies are often caused by inheriting an abnormal gene mutation from a parent that causes the disease. Symptoms of congenital myopathies usually start at birth or in early childhood, but may not appear until the teen years or even later in adulthood. Congenital myopathies are somewhat unique compared with other inherited myopathies, as weakness typically affects all muscles and is often not progressive. Symptoms are: Muscle weakness, most commonly of upper arms and shoulders and thighs, muscle cramps, stiffness and spasms, fatigue with exertion and lack of energy. Our patients all walk on tiptoe, so they show similar symptoms. When we genetically test them with our toe walking panel, we find that around 90 per cent of them have a genetic variant that explains their toe walking. These can be assigned, for example, to the area of myopathies (such as variants of the COL6A3 gene), the area of hereditary neuropathies (such as variants of the KMT2C gene) or the area of metabolic diseases (such as variants of the PYGM gene). In a smaller group of patients with almost identical symptoms, no abnormality is found in the genes of our panel, but spastic paraplegia can be detected. In another small group of our toe walkers, no abnormalities can be detected in the genes analysed in our toe walking panel, nor do they suffer from spastic paraplegia, as is also the case with healthy children. In contrast to these, however, they show a tiptoe gait. These patients suffer from infantile cerebral palsy, in which toe walking can also be observed

Literature cited by the submitters: PubMed 37091313 (cited by Practice for Gait Abnormalities, David Pomarino, Competency Network Toe Walking C/o Practice Pomarino).

NM_001267550.2(TTN):c.106468T>C (p.Tyr35490His)

Genes: TTN (titin; minus strand), TTN-AS1 (TTN antisense RNA 1; plus strand). Cytogenetic location: 2q31.2.
Variant type: single nucleotide variant.
Coding change: c.106468T>C on transcript NM_001267550.2 (MANE Select); coding-DNA position 106468, T replaced by C.
Protein change: p.Tyr35490His; replaces tyrosine 35490 with histidine.
Molecular consequence: missense variant.
Genome position (GRCh38, 1-based): chr2:178,530,023, A>G on the plus strand (T>C on the coding strand, the complement: TTN is on the minus strand). VCF-style: chr2-178530023-A-G. GRCh37 (hg19) VCF-style: chr2-179394750-A-G.
Other names: c.101545T>C, p.Tyr33849His (NM_001256850.1); c.79273T>C, p.Tyr26425His (NM_003319.4); c.79648T>C, p.Tyr26550His (NM_133432.3); c.79849T>C, p.Tyr26617His (NM_133437.4); c.106468T>C (NM_001267550.1); c.98764T>C, p.Tyr32922His (NM_133378.4); short protein forms Y32922H, Y35490H, Y26550H, Y26425H, Y26617H, Y33849H.
Identifiers: ClinVar variation 229572 (VCV000229572.29), dbSNP rs199663911, ClinGen allele CA1985100.